The following is an entry in ClinVar:

ClinVar aggregate classification (germline): Pathogenic. Review status: criteria provided, multiple submitters, no conflicts (2 of 4 stars). 2 submissions from 2 submitters: Pathogenic (2). Last evaluated 2025-06-25.

Conditions:
Intellectual disability. Also called: Intellectual developmental disorder; Intellectual functioning disability; intellectual disabilities. Identifiers: MedGen C3714756, MeSH D008607, MONDO:0001071, HP:0001249.
Intellectual developmental disorder, X-linked 90. Also called: DLG3-Related X-Linked Nonsyndromic Mental Retardation; Intellectual disability, X-linked 90. Identifiers: Orphanet 777, MedGen C3275443, MONDO:0010452, OMIM 300850.

Submissions (2):

3billion
Classification: Pathogenic for Intellectual developmental disorder, X-linked 90. Last evaluated: 2025-06-25. Review status: criteria provided, single submitter. Criteria: ACMG Guidelines, 2015. Collection method: clinical testing. Allele origin: germline. Affected: yes.
Comment: The variant is not observed in the gnomAD v4.1.0 dataset. Predicted Consequence/Location: Frameshift: predicted to result in a loss or disruption of normal protein function through nonsense-mediated decay (NMD) or protein truncation. Multiple pathogenic variants are reported downstream of the variant. The variant has been reported to be associated with DLG3-related disorder (ClinVar ID: VCV000625217 /PMID: 31316545). Therefore, this variant is classified as Pathogenic according to the recommendation of ACMG/AMP guideline.

Raymond Lab, University of Cambridge
Classification: Pathogenic for Intellectual disability. Last evaluated: 2019-02-13. Review status: criteria provided, single submitter. Criteria: ACMG Guidelines, 2015. Collection method: research. Allele origin: unknown. Affected: yes. Observed: 1 variant allele.

Literature cited by the submitters: PubMed 31316545 (cited by 3billion).

NM_021120.4(DLG3):c.1375_1378del (p.Val459fs)

Genes: DLG3 (discs large MAGUK scaffold protein 3; plus strand), DLG3-AS1 (DLG3 antisense RNA 1; minus strand). Cytogenetic location: Xq13.1.
Variant type: Microsatellite.
Coding change: c.1375_1378del on transcript NM_021120.4 (MANE Select); coding-DNA positions 1375 to 1378, 4 bases deleted (GTCA; older notation c.1375_1378delGTCA).
Protein change: p.Val459fs; shifts the reading frame from valine 459.
Molecular consequence: frameshift variant.
Genome position (GRCh38, 1-based): chrX:70,454,286-70,454,289, GTCA deleted; deleting any 4 consecutive bases within chrX:70,454,280-70,454,289 gives the same sequence; the c. name uses the placement nearest the transcript's 3' end. VCF-style (leftmost placement, unchanged base first): chrX-70454279-CCAGT-C. GRCh37 (hg19) VCF-style: chrX-69674129-CCAGT-C.
Other names: c.364_367del, p.Val122fs (NM_020730.3); short protein forms V459fs, V122fs.
Identifiers: ClinVar variation 625217 (VCV000625217.3), dbSNP rs1602880906, ClinGen allele CA915951250.